The following is an entry in ClinVar:

ClinVar aggregate classification (germline): Uncertain significance (1 of 4 stars; one submission).

Conditions:
Carney complex, type 1 (CNC1). Also called: CARNEY COMPLEX, TYPE I; CARNEY MYXOMA-ENDOCRINE COMPLEX. Identifiers: Orphanet 1359, MedGen C2607929, MONDO:0008057, OMIM 160980.

Submission:

Labcorp Genetics (formerly Invitae), Labcorp
Classification: Uncertain significance for Carney complex, type 1. Last evaluated: 2023-01-04. Review status: criteria provided, single submitter. Criteria: Invitae Variant Classification Sherloc (09022015). Collection method: clinical testing. Allele origin: germline.
Comment: In summary, the available evidence is currently insufficient to determine the role of this variant in disease. Therefore, it has been classified as a Variant of Uncertain Significance. Studies have shown that this variant is associated with altered splicing resulting in unknown protein product impact (Invitae). This variant has not been reported in the literature in individuals affected with PRKAR1A-related conditions. This variant is not present in population databases (gnomAD no frequency). This sequence change falls in intron 10 of the PRKAR1A gene. It does not directly change the encoded amino acid sequence of the PRKAR1A protein.

NM_002734.5(PRKAR1A):c.974-12T>C

Gene: PRKAR1A (protein kinase cAMP-dependent type I regulatory subunit alpha; plus strand). Cytogenetic location: 17q24.2.
Variant type: single nucleotide variant.
Coding change: c.974-12T>C on transcript NM_002734.5 (MANE Select); 12 bases into the intron before coding-DNA position 974, T replaced by C.
Molecular consequence: intron variant.
Genome position (GRCh38, 1-based): chr17:68,530,265, T>C. VCF-style: chr17-68530265-T-C. GRCh37 (hg19) VCF-style: chr17-66526406-T-C.
Other names: c.974-12T>C (NM_001278433.2, NM_001369389.1, NM_212471.3 and 3 more transcripts); c.973+264T>C (NM_001276290.1).
Identifiers: ClinVar variation 2824909 (VCV002824909.3), dbSNP rs2143389154, ClinGen allele CA2739265741.
Genomic context (GRCh38, chr17:68,530,265, plus strand): 5'-CTCAGAAGTGCACTGCTTTAAGGAAATGTTTTTCATAGAAGTTAGCCTGTTACCCATCTT[T>C]GCTTTCTCCAGGTGAAATTGCACTACTGATGAATCGTCCTCGTGCTGCCACAGTTGTTGC-3'